The following is an entry in ClinVar:

ClinVar aggregate classification (germline): Benign/Likely benign. Review status: criteria provided, multiple submitters, no conflicts (2 of 4 stars). 3 submissions from 3 submitters: Benign (1); Likely benign (2). Last evaluated 2024-11-13.

Allele frequency attached by ClinVar (database versions not stated): gnomAD exomes 0.00028 and 0.00072; ExAC 0.00090; gnomAD 0.00266 and 0.00283; TOPMed 0.00315; ESP Exome Variant Server 0.00332; 1000 Genomes Project 0.00339; 1000 Genomes Project 30x 0.00359.
gnomAD v4.1: 829 of 1,613,474 alleles (0.051%); highest among the groups gnomAD compares: African/African-American, 0.94%; 6 homozygotes.

Submissions (3):

Blueprint Genetics
Classification: Likely benign. Last evaluated: 2024-11-13. Review status: criteria provided, single submitter. Criteria: ACMG Guidelines, 2015. Collection method: clinical testing. Allele origin: germline.

CeGaT Center for Human Genetics Tuebingen
Classification: Likely benign. Last evaluated: 2023-10-01. Review status: criteria provided, single submitter. Criteria: CeGaT Center For Human Genetics Tuebingen Variant Classification Criteria Version 2. Collection method: clinical testing. Allele origin: germline. Affected: yes. Observed: 2 variant alleles.
Comment: INTS1: BP4, BP7, BS2

Labcorp Genetics (formerly Invitae), Labcorp
Classification: Benign. Last evaluated: 2018-02-25. Review status: criteria provided, single submitter. Criteria: Invitae Variant Classification Sherloc (09022015). Collection method: clinical testing. Allele origin: germline.

NM_001080453.3(INTS1):c.1473C>T (p.Tyr491=)

Gene: INTS1 (integrator complex subunit 1; minus strand). Cytogenetic location: 7p22.3.
Variant type: single nucleotide variant.
Coding change: c.1473C>T on transcript NM_001080453.3 (MANE Select); coding-DNA position 1473, C replaced by T.
Protein change: p.Tyr491=; no amino-acid change (tyrosine 491 retained).
Molecular consequence: synonymous variant.
Genome position (GRCh38, 1-based): chr7:1,497,267, G>A on the plus strand (C>T on the coding strand, the complement: INTS1 is on the minus strand). VCF-style: chr7-1497267-G-A. GRCh37 (hg19) VCF-style: chr7-1536903-G-A.
Identifiers: ClinVar variation 716142 (VCV000716142.28), dbSNP rs182630317, ClinGen allele CA4120296.
Genomic context (GRCh38, chr7:1,497,267, plus strand): 5'-GTTGATCTCGTGCTTGGTCTGCTTGATGATCTCCCGCAGCAGGGCCCGCGAGGCCCGCAG[G>A]TAGTCGTCCTTGTTGGTCAGCAGGTCCTGGAACACCATGGCCAGGAACTGGGGCAGAGAG-3'
Protein context (NP_001073922.2, residues 481-501): FQDLLTNKDD[Tyr491=]LRASRALLRE